The following is an entry in ClinVar:

ClinVar aggregate classification (germline): Uncertain significance. Review status: criteria provided, multiple submitters, no conflicts (2 of 4 stars). 2 submissions from 2 submitters: Uncertain significance (2). Last evaluated 2025-08-26.

Conditions:
Cerebral arteriopathy, autosomal dominant, with subcortical infarcts and leukoencephalopathy, type 1 (CADASIL1). Also called: CASIL; Cerebral arteriopathy with subcortical infarcts and leukoencephalopathy 1; DEMENTIA, HEREDITARY MULTIINFARCT TYPE; CADASIL 1. Identifiers: Orphanet 136, MedGen C4551768, MONDO:0000914, OMIM 125310.

Allele frequency attached by ClinVar (database versions not stated): TOPMed 0.00001; gnomAD 0.00002 and 0.00003; gnomAD exomes 0.00002 and 0.00009; ExAC 0.00004.
gnomAD v4.1: 58 of 1,613,832 alleles (0.0036%); highest among the groups gnomAD compares: East Asian, 0.13%; no homozygotes.

Submissions (2):

Dasa
Classification: Uncertain significance. Last evaluated: 2025-08-26. Review status: criteria provided, single submitter. Criteria: DASA Assertion Criteria. Collection method: clinical testing. Allele origin: germline.
Comment: NM_000435.3(NOTCH3):c.2519G>A (p.Gly840Glu) is a missense variant that results in the substitution of glycine with glutamic acid. This variant is rare in population databases. Computational prediction algorithms are consistent with a deleterious effect. The currently available literature and clinical evidence are not sufficient to establish a definitive association between this variant and the reported condition. Therefore, this variant is classified as a variant of uncertain significance.

Illumina Laboratory Services, Illumina
Classification: Uncertain significance for Cerebral arteriopathy, autosomal dominant, with subcortical infarcts and leukoencephalopathy, type 1. Last evaluated: 2017-07-17. Review status: criteria provided, single submitter. Criteria: ICSL Variant Classification Criteria 13 December 2019. Collection method: clinical testing. Allele origin: germline.
Comment: This variant was observed as part of a predisposition screen in an ostensibly healthy population. A literature search was performed for the gene, cDNA change, and amino acid change (where applicable). Publications were found based on this search. However, the evidence from the literature, in combination with allele frequency data from public databases where available, was not sufficient to rule this variant in or out of causing disease. Therefore, this variant is classified as a variant of unknown significance.

Literature cited by the submitters: PubMed 27770446 (cited by Illumina Laboratory Services, Illumina); PubMed 24936512 (cited by Illumina Laboratory Services, Illumina).

NM_000435.3(NOTCH3):c.2519G>A (p.Gly840Glu)

Gene: NOTCH3 (notch receptor 3; minus strand). Cytogenetic location: 19p13.12.
Variant type: single nucleotide variant.
Coding change: c.2519G>A on transcript NM_000435.3 (MANE Select); coding-DNA position 2519, G replaced by A.
Protein change: p.Gly840Glu; replaces glycine 840 with glutamic acid.
Molecular consequence: missense variant.
Genome position (GRCh38, 1-based): chr19:15,184,342, C>T on the plus strand (G>A on the coding strand, the complement: NOTCH3 is on the minus strand). VCF-style: chr19-15184342-C-T. GRCh37 (hg19) VCF-style: chr19-15295153-C-T.
Other names: short protein forms G840E.
Identifiers: ClinVar variation 888608 (VCV000888608.6), dbSNP rs771561644, ClinGen allele CA9263347.
Genomic context (GRCh38, chr19:15,184,342, plus strand): 5'-CCCCTGCACTCACTGGGGTCACAGTCATTGATGTCCTGATCGCAGGAAGGGCCAGTGTAC[C>T]CTCCATGGCAGGTGCAGCTGAAACTCCCTGCCAGGTTGGTGCAGATACCATGAGGGCCAC-3'
Protein context (NP_000426.2, residues 830-850): AGSFSCTCHG[Gly840Glu]YTGPSCDQDI